The following is an entry in ClinVar:

ClinVar aggregate classification (germline): Conflicting classifications of pathogenicity. Review status: criteria provided, conflicting classifications (1 of 4 stars). 11 submissions from 11 submitters: Uncertain significance (3); Likely benign (6). 2 of the submissions do not count toward it. Last evaluated 2026-04-29.

Conditions:
BRCA2-related disorder. Also called: BRCA2-related condition; BRCA2-related disorders. Identifiers: MedGen CN239275.
Hereditary cancer-predisposing syndrome. Also called: Neoplastic Syndromes, Hereditary; Tumor predisposition; Hereditary neoplastic syndrome; Hereditary Cancer Syndrome. Identifiers: Orphanet 140162, MedGen C0027672, MeSH D009386, MONDO:0015356.
Hereditary breast ovarian cancer syndrome. Also called: Hereditary breast and/or ovarian cancer syndrome; Hereditary breast and ovarian cancer syndrome; Hereditary breast and ovarian cancer; Hereditary breast and ovarian cancer syndrome (HBOC); Breast and ovarian cancer; BRCA1- and BRCA2-Associated Hereditary Breast and Ovarian Cancer. Identifiers: Orphanet 145, MedGen C0677776, MeSH D061325, MONDO:0003582. Disease mechanism: loss of function.
Breast-ovarian cancer, familial, susceptibility to, 2 (BROVCA2). Also called: BRCA2 Hereditary Breast and Ovarian Cancer. Identifiers: Orphanet 145, MedGen C2675520, MONDO:0012933, OMIM 612555. Disease mechanism: loss of function.
Malignant tumor of breast. Also called: Malignant breast neoplasm; Cancer breast. Identifiers: MedGen C0006142, MONDO:0007254. Disease mechanism: loss of function.

Allele frequency attached by ClinVar (database versions not stated): gnomAD exomes below 0.00001.
gnomAD v4.1: 4 of 1,602,706 alleles (0.00025%); highest among the groups gnomAD compares: East Asian, 0.0022%; no homozygotes.

Submissions (11):

PreventionGenetics, part of Exact Sciences
Classification: Likely benign for BRCA2-related condition. Last evaluated: 2026-04-29. Review status: criteria provided, single submitter. Criteria: ACMG Guidelines, 2015. Collection method: clinical testing. Allele origin: germline.
Comment: This variant is classified as likely benign based on ACMG/AMP sequence variant interpretation guidelines (Richards et al. 2015 PMID: 25741868, with internal and published modifications).

Labcorp Genetics (formerly Invitae), Labcorp
Classification: Likely benign for Hereditary breast ovarian cancer syndrome. Last evaluated: 2026-01-28. Review status: criteria provided, single submitter. Criteria: Invitae Variant Classification Sherloc (09022015). Collection method: clinical testing. Allele origin: germline.

Women's Health and Genetics/Laboratory Corporation of America, LabCorp
Classification: Uncertain significance. Last evaluated: 2026-01-22. Review status: criteria provided, single submitter. Criteria: LabCorp Variant Classification Summary - May 2015. Collection method: clinical testing. Allele origin: germline.
Comment: Variant summary: BRCA2 c.1478C>T (p.Pro493Leu) results in a non-conservative amino acid change in the encoded protein sequence. Algorithms developed to predict the effect of missense changes on protein structure and function are either unavailable or do not agree on the potential impact of this missense change. The variant allele was found at a frequency of 4.1e-06 in 243540 control chromosomes. The available data on variant occurrences in the general population are insufficient to allow any conclusion about variant significance. c.1478C>T has been reported in individuals affected with Breast Cancer (e.g., Yang_2017, Khandakji_2023, Matusin_2025) and ovarian cancer (Delhaunty_2022) without strong evidence for causality. These reports do not provide unequivocal conclusions about association of the variant with Hereditary Breast And Ovarian Cancer Syndrome. To our knowledge, no experimental evidence demonstrating an impact on protein function has been reported. The following publications have been ascertained in the context of this evaluation (PMID: 26283626, 28664506, 35263119, 37335020, 28664506). ClinVar contains an entry for this variant (Variation ID: 186393). Based on the evidence outlined above, the variant was classified as uncertain significance.

ARUP Laboratories, Molecular Genetics and Genomics, ARUP Laboratories
Classification: Likely benign. Last evaluated: 2024-09-09. Review status: criteria provided, single submitter. Criteria: ARUP Molecular Germline Variant Investigation Process 2024. Collection method: clinical testing. Allele origin: germline.

GeneDx
Classification: Uncertain significance. Last evaluated: 2024-04-25. Review status: criteria provided, single submitter. Criteria: GeneDx Variant Classification Process June 2021. Collection method: clinical testing. Allele origin: germline. Affected: yes.
Comment: Observed in individuals with breast or ovarian cancer and also in unaffected control(s) (PMID: 28664506, 33471991, 35263119, 37335020); Not observed at significant frequency in large population cohorts (gnomAD); In silico analysis indicates that this missense variant does not alter protein structure/function; Also known as 1706C>T; This variant is associated with the following publications: (PMID: 31131967, 26295337, 26283626, 6295337, 35263119, 28664506, 33471991, 37335020)

Quest Diagnostics Nichols Institute San Juan Capistrano
Classification: Uncertain significance. Last evaluated: 2023-05-09. Review status: criteria provided, single submitter. Criteria: Quest Diagnostics criteria. Collection method: clinical testing. Allele origin: unknown.
Comment: In the published literature, the variant has been reported in individuals with breast cancer (PMID: 28664506 (2017), 33471991 (2021), see also LOVD), as well as unaffected individuals (PMID: 26283626 (2015), 33471991 (2021), see also LOVD). It has not been reported in large, multi-ethnic general populations. Analysis of this variant using bioinformatics tools for the prediction of the effect of amino acid changes on protein structure and function yielded predictions that this variant is benign. Based on the available information, we are unable to determine the clinical significance of this variant.

University of Washington Department of Laboratory Medicine, University of Washington
Classification: Likely benign for Hereditary cancer-predisposing syndrome. Last evaluated: 2023-03-23. Review status: criteria provided, single submitter. Criteria: Dines et al. (Genet Med. 2020). Collection method: curation. Allele origin: germline.
Comment: Missense variant in a coldspot region where missense variants are very unlikely to be pathogenic (PMID:31911673).

BRCA2 exon 10 coldspot. Reclassification based on statistical prior probability.

Ambry Genetics
Classification: Likely benign for Hereditary cancer-predisposing syndrome. Last evaluated: 2018-12-01. Review status: criteria provided, single submitter. Criteria: Ambry Variant Classification Scheme 2023. Collection method: clinical testing. Allele origin: germline.

Color Diagnostics, LLC DBA Color Health
Classification: Likely benign for Hereditary cancer-predisposing syndrome. Last evaluated: 2016-10-11. Review status: criteria provided, single submitter. Criteria: ACMG Guidelines, 2015. Collection method: clinical testing. Allele origin: germline.

Counsyl
Classification: Uncertain significance for Breast-ovarian cancer, familial, susceptibility to, 2. Last evaluated: 2016-02-16. Review status: no assertion criteria provided. Collection method: clinical testing. Allele origin: unknown. Not counted in ClinVar's aggregate classification.

Department of Pathology and Laboratory Medicine, Sinai Health System
Classification: Likely benign for Malignant tumor of breast. Review status: no assertion criteria provided. Collection method: clinical testing. Allele origin: unknown. Affected: yes. Study: The Canadian Open Genetics Repository (COGR). Not counted in ClinVar's aggregate classification.
Comment: The p.Pro493Leu variant has not been reported in the literature. This residue is not conserved in mammals and the variant amino acid Leucine (Leu) is present in the cat and dog, increasing the likelihood that an alteration to this residue may not have functional significance. Computational analyses (PolyPhen, SIFT, AlignGVGD) do not suggest a high likelihood of impact to the protein. However, this information is not predictive enough to rule out pathogenicity. In summary, based on the above information the clinical significance of this variant cannot be determined with certainty at this time although we would lean towards a more benign role for this variant. This variant is predicted benign.

Literature cited by the submitters: PubMed 26283626 (cited by Women's Health and Genetics/Laboratory Corporation of America, LabCorp and Quest Diagnostics Nichols Institute San Juan Capistrano); PubMed 28664506 (cited by Women's Health and Genetics/Laboratory Corporation of America, LabCorp and Quest Diagnostics Nichols Institute San Juan Capistrano); PubMed 35263119 (cited by Women's Health and Genetics/Laboratory Corporation of America, LabCorp); PubMed 37335020 (cited by Women's Health and Genetics/Laboratory Corporation of America, LabCorp); PubMed 40531958 (cited by Women's Health and Genetics/Laboratory Corporation of America, LabCorp); PubMed 31911673 (cited by Quest Diagnostics Nichols Institute San Juan Capistrano); PubMed 33471991 (cited by Quest Diagnostics Nichols Institute San Juan Capistrano); PubMed 26295337 (cited by Quest Diagnostics Nichols Institute San Juan Capistrano).

NM_000059.4(BRCA2):c.1478C>T (p.Pro493Leu)

Gene: BRCA2 (BRCA2 DNA repair associated; plus strand). Cytogenetic location: 13q13.1.
Variant type: single nucleotide variant.
Coding change: c.1478C>T on transcript NM_000059.4 (MANE Select); coding-DNA position 1478, C replaced by T.
Protein change: p.Pro493Leu; replaces proline 493 with leucine.
Molecular consequence: missense variant.
Genome position (GRCh38, 1-based): chr13:32,332,956, C>T. VCF-style: chr13-32332956-C-T. GRCh37 (hg19) VCF-style: chr13-32907093-C-T.
Other names: short protein forms P493L.
Identifiers: ClinVar variation 186393 (VCV000186393.39), dbSNP rs786202916, ClinGen allele CA012176.